The following is an entry in ClinVar:

ClinVar aggregate classification (germline): Conflicting classifications of pathogenicity. Review status: criteria provided, conflicting classifications (1 of 4 stars). 9 submissions from 8 submitters: Uncertain significance (2); Likely benign (6). 1 of the submissions does not count toward it. Last evaluated 2026-03-10.

Conditions:
RYR1-related disorder. Also called: RYR1-related condition; RYR1-related disorders. Identifiers: MedGen CN239331.
Congenital multicore myopathy with external ophthalmoplegia (CMYO1B). Also called: MULTICORE MYOPATHY; MULTIMINICORE DISEASE WITH EXTERNAL OPHTHALMOPLEGIA; Congenital myopathy 1B, autosomal recessive; Minicore myopathy; Minicore myopathy with external ophthalmoplegia. Identifiers: Orphanet 598, Orphanet 98905, MedGen C1850674, MONDO:0009712, OMIM 255320, HP:0003789.
Malignant hyperthermia, susceptibility to, 1 (MHS1). Also called: Malignant hyperthermia suceptibility 1; Anesthesia related hyperthermia; Malignant hyperpyrexia; Fulminating hyperpyrexia; Pharmacogenic myopathy; RYR1-Related Malignant Hyperthermia Susceptibility. Identifiers: Orphanet 423, MedGen C2930980, MONDO:0007783, OMIM 145600.

Allele frequency attached by ClinVar (database versions not stated): gnomAD 0.00007 and 0.00008; gnomAD exomes 0.00007 and 0.00011; ExAC 0.00012; TOPMed 0.00012; ESP Exome Variant Server 0.00015.
gnomAD v4.1: 117 of 1,613,990 alleles (0.0072%); highest among the groups gnomAD compares: East Asian, 0.018%; no homozygotes.

Submissions (9):

PreventionGenetics, part of Exact Sciences
Classification: Likely benign for RYR1-related condition. Last evaluated: 2026-03-10. Review status: criteria provided, single submitter. Criteria: ACMG Guidelines, 2015. Collection method: clinical testing. Allele origin: germline.
Comment: This variant is classified as likely benign based on ACMG/AMP sequence variant interpretation guidelines (Richards et al. 2015 PMID: 25741868, with internal and published modifications).

Labcorp Genetics (formerly Invitae), Labcorp
Classification: Likely benign for RYR1-related disorder. Last evaluated: 2025-12-01. Review status: criteria provided, single submitter. Criteria: Invitae Variant Classification Sherloc (09022015). Collection method: clinical testing. Allele origin: germline.

Blueprint Genetics
Classification: Likely benign. Last evaluated: 2024-04-12. Review status: criteria provided, single submitter. Criteria: ACMG Guidelines, 2015. Collection method: clinical testing. Allele origin: germline.

All of Us Research Program, National Institutes of Health
Classification: Likely benign for Malignant hyperthermia, susceptibility to, 1. Last evaluated: 2024-01-11. Review status: criteria provided, single submitter. Criteria: ACMG Guidelines, 2015. Collection method: clinical testing. Allele origin: germline. Inheritance: Autosomal dominant inheritance. Observed: 16 variant alleles, 16 heterozygotes.
Comment: This study involves interpretation of variants in research participants for the purpose of population health screening. Participant phenotype was not available at the time of variant classification. Additional details can be found in publication PMID: 35346344, PMCID: PMC8962531

Color Diagnostics, LLC DBA Color Health
Classification: Likely benign for Malignant hyperthermia, susceptibility to, 1. Last evaluated: 2022-11-06. Review status: criteria provided, single submitter. Criteria: ACMG Guidelines, 2015. Collection method: clinical testing. Allele origin: germline.

CeGaT Center for Human Genetics Tuebingen
Classification: Likely benign. Last evaluated: 2019-03-01. Review status: criteria provided, single submitter. Criteria: CeGaT Center For Human Genetics Tuebingen Variant Classification Criteria Version 2. Collection method: clinical testing. Allele origin: germline. Affected: yes. Observed: 1 variant allele.

Illumina Laboratory Services, Illumina
Classification: Uncertain significance for Congenital multicore myopathy with external ophthalmoplegia. Last evaluated: 2018-01-12. Review status: criteria provided, single submitter. Criteria: ICSL Variant Classification Criteria 13 December 2019. Collection method: clinical testing. Allele origin: germline.

Illumina Laboratory Services, Illumina
Classification: Uncertain significance for Malignant hyperthermia, susceptibility to, 1. Last evaluated: 2018-01-12. Review status: criteria provided, single submitter. Criteria: ICSL Variant Classification Criteria 13 December 2019. Collection method: clinical testing. Allele origin: germline.

RYR1 database
No classification provided. Review status: no classification provided. Collection method: not provided. Allele origin: unknown. Not counted in ClinVar's aggregate classification.

NM_000540.3(RYR1):c.2712G>A (p.Pro904=)

Gene: RYR1 (ryanodine receptor 1; plus strand). Cytogenetic location: 19q13.2.
Variant type: single nucleotide variant.
Coding change: c.2712G>A on transcript NM_000540.3 (MANE Select); coding-DNA position 2712, G replaced by A.
Protein change: p.Pro904=; no amino-acid change (proline 904 retained).
Molecular consequence: synonymous variant.
Genome position (GRCh38, 1-based): chr19:38,463,776, G>A. VCF-style: chr19-38463776-G-A. GRCh37 (hg19) VCF-style: chr19-38954416-G-A.
Other names: c.2712G>A, p.Pro904= (NM_001042723.2).
Identifiers: ClinVar variation 133120 (VCV000133120.59), dbSNP rs139339574, ClinGen allele CA024364.